The following is an entry in ClinVar:

NM_000455.5(STK11):c.*16+8_*16+28del

Gene: STK11 (serine/threonine kinase 11; plus strand). Cytogenetic location: 19p13.3.
Variant type: Deletion.
Coding change: c.*16+8_*16+28del on transcript NM_000455.5 (MANE Select); bases 8 to 28 of the intron after 16 bases downstream of the stop codon, 21 bases deleted (GCGGCGGGGCCCGGGTGGGGC).
Molecular consequence: splice donor variant.
Genome position (GRCh38, 1-based): chr19:1,226,671-1,226,691, GCGGCGGGGCCCGGGTGGGGC deleted; deleting any 21 consecutive bases within chr19:1,226,663-1,226,691 gives the same sequence; the c. name uses the placement nearest the transcript's 3' end. VCF-style (leftmost placement, unchanged base first): chr19-1226662-AGGTGGGGCGCGGCGGGGCCCG-A. GRCh37 (hg19) VCF-style: chr19-1226661-AGGTGGGGCGCGGCGGGGCCCG-A.
Identifiers: ClinVar variation 3076192 (VCV003076192.1), dbSNP rs751421781, ClinGen allele CA9039460.
Genomic context (GRCh38, chr19:1,226,662, plus strand): 5'-CGCCAGCAGCAAGATCCGCCGGCTGTCGGCCTGCAAGCAGCAGTGAGGCTGGCCGCCTGC[AGGTGGGGCGCGGCGGGGCCCG>A]GGTGGGGCATGTGGGGACAACGCCTGGATGCCACAGCCAGCCGTGAGCATAGCCCGCGCT-3'

ClinVar aggregate classification (germline): Uncertain significance (1 of 4 stars; one submission).

Conditions:
Hereditary cancer-predisposing syndrome. Also called: Neoplastic Syndromes, Hereditary; Tumor predisposition; Hereditary neoplastic syndrome; Hereditary Cancer Syndrome. Identifiers: Orphanet 140162, MedGen C0027672, MeSH D009386, MONDO:0015356.

Submission:

Ambry Genetics
Classification: Uncertain significance for Hereditary cancer-predisposing syndrome. Last evaluated: 2015-09-27. Review status: criteria provided, single submitter. Criteria: Ambry Variant Classification Scheme 2023. Collection method: clinical testing. Allele origin: germline.
Comment: The c.*16+8_*16+28del21 alteration is located in the 3' untranslated region (3'UTR) of the STK11 gene. This alteration consists of a deletion of 2 nucleotides after the last coding exon of the STK11 gene. Based on insufficient or conflicting evidence, the clinical significance of this alteration remains unclear.